The following is an entry in ClinVar:

NM_017617.5(NOTCH1):c.791A>G (p.Asn264Ser)

Gene: NOTCH1 (notch receptor 1; minus strand). Cytogenetic location: 9q34.3.
Variant type: single nucleotide variant.
Coding change: c.791A>G on transcript NM_017617.5 (MANE Select); coding-DNA position 791, A replaced by G.
Protein change: p.Asn264Ser; replaces asparagine 264 with serine.
Molecular consequence: missense variant.
Genome position (GRCh38, 1-based): chr9:136,519,517, T>C on the plus strand (A>G on the coding strand, the complement: NOTCH1 is on the minus strand). VCF-style: chr9-136519517-T-C. GRCh37 (hg19) VCF-style: chr9-139413969-T-C.
Other names: short protein forms N264S.
Identifiers: ClinVar variation 4282072 (VCV004282072.1).

ClinVar aggregate classification (germline): Uncertain significance (1 of 4 stars; one submission).

Submission:

GeneDx
Classification: Uncertain significance. Last evaluated: 2025-04-15. Review status: criteria provided, single submitter. Criteria: GeneDx Variant Classification Process June 2021. Collection method: clinical testing. Allele origin: germline. Affected: yes.
Comment: Not observed at significant frequency in large population cohorts (gnomAD); In silico analysis supports that this missense variant has a deleterious effect on protein structure/function; Has not been previously published as pathogenic or benign to our knowledge